The following is an entry in ClinVar:

GRCh37/hg19 2p16.1-15(chr2:60680467-61527143)x3

Genes: BCL11A (BCL11 transcription factor A; minus strand), C2orf74 (chromosome 2 open reading frame 74; plus strand), PAPOLG (poly(A) polymerase gamma; plus strand), PEX13 (peroxisomal biogenesis factor 13; plus strand), PUS10 (pseudouridine synthase 10; minus strand) and 3 more. Cytogenetic location: 2p16.1-15.
Variant type: copy number gain.
Change: copy number 3 (three copies instead of two) of chr2:60,680,467-61,527,143 (846.7 kb, GRCh37 coordinates, 1-based), cytogenetic band 2p16.1-15.
Identifiers: ClinVar variation 1808715 (VCV001808715.1).

ClinVar aggregate classification (germline): Likely pathogenic (1 of 4 stars; one submission).

Submission:

Quest Diagnostics Nichols Institute San Juan Capistrano
Classification: Likely pathogenic. Last evaluated: 2022-06-27. Review status: criteria provided, single submitter. Criteria: ACMG/ClinGen CNV Guidelines, 2019. Collection method: clinical testing. Allele origin: unknown.
Comment: The copy number gain of 2p16.1p15 involves several protein-coding genes, BCL11A (OMIM 606557), PAPOLG (OMIM 616865), REL (OMIM 164910), PUS10 (OMIM 612787), PEX13 (OMIM 601789), and multiple exons of the 3' portion of USP34 (NM_014709). Haploinsufficiency of BCL11A is associated with autosomal dominant Dias-Logan syndrome, also known as intellectual developmental disorder with persistence of fetal hemoglobin, is characterized by delayed psychomotor development, intellectual disability, variable dysmorphic features, including microcephaly, downslanting palpebral fissures, strabismus, and external ear abnormalities, and asymptomatic persistence of fetal hemoglobin (HbF)(OMIM 617101). Duplication of this gene has been reported in several cases of adults and children with intellectual disability, developmental delay, and speech delay with mild dysmorphic facial features (Chen 2018, Lovrecic 2018, Mimouni-Bloch 2015). While copy number gains of this specific interval have not yet been associated with a clinical phenotype, there are no similar copy number gains of this region in the general populations of the Database of Genomic Variants. Therefore, based on gene content and current medical literature, this copy number variant (CNV) is classified as likely pathogenic. References Chen et al., Taiwan J Obstet Gynecol. 2018 Aug;57(4):578-582. PMID: 30122582 Lovrecic et al., Mol Cytogenet. 2018 Jun 20;11:39. PMID: 29951117 Mimouni-Bloch et al., Eur J Paediatr Neurol. 2015 Nov;19(6):711-5. PMID: 26278498